The following is an entry in ClinVar:

NM_002478.5(MYOD1):c.878G>A (p.Ser293Asn)

Gene: MYOD1 (myogenic differentiation 1; plus strand). Cytogenetic location: 11p15.1.
Variant type: single nucleotide variant.
Coding change: c.878G>A on transcript NM_002478.5 (MANE Select); coding-DNA position 878, G replaced by A.
Protein change: p.Ser293Asn; replaces serine 293 with asparagine.
Molecular consequence: missense variant.
Genome position (GRCh38, 1-based): chr11:17,721,423, G>A. VCF-style: chr11-17721423-G-A. GRCh37 (hg19) VCF-style: chr11-17742970-G-A.
Other names: short protein forms S293N.
Identifiers: ClinVar variation 3039547 (VCV003039547.16), dbSNP rs146220306, ClinGen allele CA5906593.

ClinVar aggregate classification (germline): Benign. Review status: criteria provided, single submitter (1 of 4 stars). 2 submissions from 2 submitters: Benign (1). 1 of the submissions does not count toward it. Last evaluated 2026-09-01.

Conditions:
MYOD1-related disorder. Also called: MYOD1-related condition.

Allele frequency attached by ClinVar (database versions not stated): 1000 Genomes Project 0.00659; 1000 Genomes Project 30x 0.00703; ESP Exome Variant Server 0.00716; TOPMed 0.00878; gnomAD 0.01147; gnomAD exomes 0.01259; ExAC 0.01421.

Submissions (2):

CeGaT Center for Human Genetics Tuebingen
Classification: Benign. Last evaluated: 2026-09-01. Review status: criteria provided, single submitter. Criteria: CeGaT Center For Human Genetics Tuebingen Variant Classification Criteria Version 2. Collection method: clinical testing. Allele origin: germline. Affected: yes. Observed: 22 variant alleles.
Comment: MYOD1: BS1, BS2

PreventionGenetics, part of Exact Sciences
Classification: Benign for MYOD1-related condition. Last evaluated: 2024-01-03. Review status: no assertion criteria provided. Collection method: clinical testing. Allele origin: germline. Not counted in ClinVar's aggregate classification.
Comment: This variant is classified as benign based on ACMG/AMP sequence variant interpretation guidelines (Richards et al. 2015 PMID: 25741868, with internal and published modifications).